The following is an entry in ClinVar:

ClinVar aggregate classification (germline): Uncertain significance (1 of 4 stars; one submission).

Conditions:
Hypertrophic cardiomyopathy. Also called: HYPERTROPHIC MYOCARDIOPATHY. Identifiers: Orphanet 217569, MedGen C0007194, MeSH D002312, MONDO:0005045, HP:0001639.

Submission:

Labcorp Genetics (formerly Invitae), Labcorp
Classification: Uncertain significance for Hypertrophic cardiomyopathy. Last evaluated: 2024-10-07. Review status: criteria provided, single submitter. Criteria: Invitae Variant Classification Sherloc (09022015). Collection method: clinical testing. Allele origin: germline.
Comment: This sequence change replaces asparagine, which is neutral and polar, with serine, which is neutral and polar, at codon 1750 of the MYH7 protein (p.Asn1750Ser). This variant is not present in population databases (gnomAD no frequency). This variant has not been reported in the literature in individuals affected with MYH7-related conditions. Invitae Evidence Modeling of protein sequence and biophysical properties (such as structural, functional, and spatial information, amino acid conservation, physicochemical variation, residue mobility, and thermodynamic stability) indicates that this missense variant is expected to disrupt MYH7 protein function with a positive predictive value of 95%. In summary, the available evidence is currently insufficient to determine the role of this variant in disease. Therefore, it has been classified as a Variant of Uncertain Significance.

NM_000257.4(MYH7):c.5249A>G (p.Asn1750Ser)

Genes: MYH7 (myosin heavy chain 7; minus strand), LOC126861897 (BRD4-independent group 4 enhancer GRCh37_chr14:23884455-23885654; plus strand). Cytogenetic location: 14q11.2.
Variant type: single nucleotide variant.
Coding change: c.5249A>G on transcript NM_000257.4 (MANE Select); coding-DNA position 5249, A replaced by G.
Protein change: p.Asn1750Ser; replaces asparagine 1750 with serine.
Molecular consequence: missense variant.
Genome position (GRCh38, 1-based): chr14:23,415,415, T>C on the plus strand (A>G on the coding strand, the complement: MYH7 is on the minus strand). VCF-style: chr14-23415415-T-C. GRCh37 (hg19) VCF-style: chr14-23884624-T-C.
Other names: c.5249A>G, p.Asn1750Ser (NM_001407004.1); short protein forms N1750S.
Identifiers: ClinVar variation 3635994 (VCV003635994.2).